The following is an entry in ClinVar:

NM_025137.4(SPG11):c.6319G>A (p.Val2107Ile)

Gene: SPG11 (SPG11 vesicle trafficking associated, spatacsin; minus strand). Cytogenetic location: 15q21.1.
Variant type: single nucleotide variant.
Coding change: c.6319G>A on transcript NM_025137.4 (MANE Select); coding-DNA position 6319, G replaced by A.
Protein change: p.Val2107Ile; replaces valine 2107 with isoleucine.
Molecular consequence: missense variant.
Genome position (GRCh38, 1-based): chr15:44,572,707, C>T on the plus strand (G>A on the coding strand, the complement: SPG11 is on the minus strand). VCF-style: chr15-44572707-C-T. GRCh37 (hg19) VCF-style: chr15-44864905-C-T.
Other names: c.5980G>A, p.Val1994Ile (NM_001160227.2); short protein forms V2107I, V1994I.
Identifiers: ClinVar variation 377009 (VCV000377009.27), dbSNP rs115970214, ClinGen allele CA7534184.

ClinVar aggregate classification (germline): Benign/Likely benign. Review status: criteria provided, multiple submitters, no conflicts (2 of 4 stars). 15 submissions from 13 submitters: Benign (7); Likely benign (6). 2 of the submissions do not count toward it. Last evaluated 2026-01-25.

Conditions:
Charcot-Marie-Tooth disease axonal type 2X. Also called: CHARCOT-MARIE-TOOTH DISEASE, AXONAL, AUTOSOMAL RECESSIVE, TYPE 2X; CHARCOT-MARIE-TOOTH NEUROPATHY, TYPE 2X. Identifiers: Orphanet 466775, MedGen C5569024, MONDO:0014726, OMIM 616668.
Amyotrophic lateral sclerosis type 5 (ALS5). Also called: AMYOTROPHIC LATERAL SCLEROSIS 5, JUVENILE. Identifiers: Orphanet 300605, MedGen C1865864, MONDO:0011196, OMIM 602099.
Hereditary spastic paraplegia 11. Also called: SPASTIC PARAPLEGIA, AUTOSOMAL RECESSIVE, COMPLICATED, WITH THIN CORPUS CALLOSUM; SPASTIC PARAPLEGIA, AUTOSOMAL RECESSIVE, WITH MENTAL IMPAIRMENT AND THIN CORPUS CALLOSUM; Spastic Paraplegia 11; Spastic paraplegia, mental retardation and thin corpus callosum; Nakamura Osame syndrome; Autosomal recessive hereditary spastic paraplegia, mental impairment, and thin corpus callosum. Identifiers: Orphanet 2822, MedGen C1858479, MONDO:0011445, OMIM 604360.
Hereditary spastic paraplegia. Also called: Familial spastic paraparesis. Identifiers: Orphanet 685, MedGen C0037773, MONDO:0019064. Disease mechanism: loss of function.

Allele frequency attached by ClinVar (database versions not stated): gnomAD exomes 0.00228; ExAC 0.00252; 1000 Genomes Project 0.00759; gnomAD 0.00892 and 0.00950; ESP Exome Variant Server 0.00947; 1000 Genomes Project 30x 0.00953; TOPMed 0.00965.
gnomAD v4.1: 2,572 of 1,614,082 alleles (0.16%); highest among the groups gnomAD compares: African/African-American, 3%; 33 homozygotes.

Submissions (15):

Labcorp Genetics (formerly Invitae), Labcorp
Classification: Benign for Hereditary spastic paraplegia 11. Last evaluated: 2026-01-25. Review status: criteria provided, single submitter. Criteria: Invitae Variant Classification Sherloc (09022015). Collection method: clinical testing. Allele origin: germline.

Fulgent Genetics
Classification: Benign for Amyotrophic lateral sclerosis type 5; Hereditary spastic paraplegia 11; Charcot-Marie-Tooth disease axonal type 2X. Last evaluated: 2022-03-08. Review status: criteria provided, single submitter. Criteria: ACMG Guidelines, 2015. Collection method: clinical testing. Allele origin: unknown.

Genome Diagnostics Laboratory, The Hospital for Sick Children
Classification: Likely benign for Hereditary spastic paraplegia. Last evaluated: 2020-04-01. Review status: criteria provided, single submitter. Criteria: ACMG Guidelines, 2015. Collection method: clinical testing. Allele origin: germline. Affected: yes.

GeneDx
Classification: Benign. Last evaluated: 2018-01-09. Review status: criteria provided, single submitter. Criteria: GeneDx Variant Classification (06012015). Collection method: clinical testing. Allele origin: germline. Affected: yes.
Comment: This variant is considered likely benign or benign based on one or more of the following criteria: it is a conservative change, it occurs at a poorly conserved position in the protein, it is predicted to be benign by multiple in silico algorithms, and/or has population frequency not consistent with disease.

Mayo Clinic Laboratories, Mayo Clinic
Classification: Benign. Last evaluated: 2017-07-13. Review status: criteria provided, single submitter. Criteria: ACMG Guidelines, 2015. Collection method: clinical testing. Allele origin: germline. Observed: 16 variant alleles.

Athena Diagnostics
Classification: Benign. Last evaluated: 2017-04-28. Review status: criteria provided, single submitter. Criteria: Athena Diagnostics Criteria. Collection method: clinical testing. Allele origin: germline.

Illumina Laboratory Services, Illumina
Classification: Benign for Hereditary spastic paraplegia 11. Last evaluated: 2017-04-27. Review status: criteria provided, single submitter. Criteria: ICSL Variant Classification Criteria 13 December 2019. Collection method: clinical testing. Allele origin: germline.
Comment: This variant was observed as part of a predisposition screen in an ostensibly healthy population. A literature search was performed for the gene, cDNA change, and amino acid change (where applicable). Publications were found based on this search. The evidence from the literature, in combination with allele frequency data from public databases where available, was sufficient to rule this variant out of causing disease. Therefore, this variant is classified as benign.

Center for Pediatric Genomic Medicine, Children's Mercy Hospital and Clinics
Classification: Likely benign. Last evaluated: 2016-11-22. Review status: criteria provided, single submitter. Criteria: ACMG Guidelines, 2015. Collection method: clinical testing. Allele origin: germline.
ClinVar note: Converted during submission from Likely Benign to Likely benign.

Genome Diagnostics Laboratory, University Medical Center Utrecht
Classification: Benign for Hereditary spastic paraplegia 11. Last evaluated: 2014-10-09. Review status: criteria provided, single submitter. Criteria: ACGS Guidelines, 2013. Collection method: clinical testing. Allele origin: germline. Affected: yes. Study: VKGL Data-share Consensus.

Breakthrough Genomics
Classification: Likely benign. Review status: criteria provided, single submitter. Criteria: ACMG Guidelines, 2015. Collection method: not provided. Allele origin: germline. Inheritance: Autosomal recessive inheritance. Affected: yes.

Genome-Nilou Lab
Classification: Likely benign for Amyotrophic lateral sclerosis type 5. Review status: criteria provided, single submitter. Criteria: ACMG Guidelines, 2015. Collection method: clinical testing. Allele origin: germline.

Genome-Nilou Lab
Classification: Likely benign for Charcot-Marie-Tooth disease axonal type 2X. Review status: criteria provided, single submitter. Criteria: ACMG Guidelines, 2015. Collection method: clinical testing. Allele origin: germline.

Genome-Nilou Lab
Classification: Likely benign for Hereditary spastic paraplegia 11. Review status: criteria provided, single submitter. Criteria: ACMG Guidelines, 2015. Collection method: clinical testing. Allele origin: germline.

Genome Diagnostics Laboratory, Amsterdam University Medical Center
Classification: Likely benign for Hereditary spastic paraplegia 11. Last evaluated: 2017-06-02. Review status: no assertion criteria provided. Criteria: ACGS Guidelines, 2013. Collection method: clinical testing. Allele origin: germline. Affected: yes. Study: VKGL Data-share Consensus. Not counted in ClinVar's aggregate classification.

Clinical Genetics DNA and cytogenetics Diagnostics Lab, Erasmus MC, Erasmus Medical Center
Classification: Likely benign. Review status: no assertion criteria provided. Collection method: clinical testing. Allele origin: germline. Affected: yes. Study: VKGL Data-share Consensus. Not counted in ClinVar's aggregate classification.

Literature cited by the submitters: PubMed 25588603 (cited by Athena Diagnostics and Illumina Laboratory Services, Illumina).